The following is an entry in ClinVar:

ClinVar aggregate classification (germline): Uncertain significance. Review status: criteria provided, multiple submitters, no conflicts (2 of 4 stars). 2 submissions from 2 submitters: Uncertain significance (2). Last evaluated 2024-12-11.

Conditions:
Inborn genetic diseases. Identifiers: MedGen C0950123, MeSH D030342.
Hereditary antithrombin deficiency (AT3D). Also called: Antithrombin III deficiency; Reduced antithrombin III activity; Thrombophilia due to antithrombin III deficiency; Antithrombin deficiency. Identifiers: Orphanet 82, MedGen C0272375, MONDO:0013144, OMIM 613118, HP:0001976.

Submissions (2):

Ambry Genetics
Classification: Uncertain significance for Inborn genetic diseases. Last evaluated: 2024-12-11. Review status: criteria provided, single submitter. Criteria: Ambry Variant Classification Scheme 2023. Collection method: clinical testing. Allele origin: germline.

Labcorp Genetics (formerly Invitae), Labcorp
Classification: Uncertain significance for Hereditary antithrombin deficiency. Last evaluated: 2023-05-17. Review status: criteria provided, single submitter. Criteria: Invitae Variant Classification Sherloc (09022015). Collection method: clinical testing. Allele origin: germline.
Comment: This sequence change replaces leucine, which is neutral and non-polar, with proline, which is neutral and non-polar, at codon 336 of the SERPINC1 protein (p.Leu336Pro). This variant is not present in population databases (gnomAD no frequency). This variant has not been reported in the literature in individuals affected with SERPINC1-related conditions. Advanced modeling of protein sequence and biophysical properties (such as structural, functional, and spatial information, amino acid conservation, physicochemical variation, residue mobility, and thermodynamic stability) performed at Invitae indicates that this missense variant is expected to disrupt SERPINC1 protein function. In summary, the available evidence is currently insufficient to determine the role of this variant in disease. Therefore, it has been classified as a Variant of Uncertain Significance.

NM_000488.4(SERPINC1):c.1007T>C (p.Leu336Pro)

Gene: SERPINC1 (serpin family C member 1; minus strand). Cytogenetic location: 1q25.1.
Variant type: single nucleotide variant.
Coding change: c.1007T>C on transcript NM_000488.4 (MANE Select); coding-DNA position 1007, T replaced by C.
Protein change: p.Leu336Pro; replaces leucine 336 with proline.
Molecular consequence: missense variant.
Genome position (GRCh38, 1-based): chr1:173,909,698, A>G on the plus strand (T>C on the coding strand, the complement: SERPINC1 is on the minus strand). VCF-style: chr1-173909698-A-G. GRCh37 (hg19) VCF-style: chr1-173878836-A-G.
Other names: c.863T>C, p.Leu288Pro (NM_001365052.2); c.1130T>C, p.Leu377Pro (NM_001386302.1); c.1088T>C, p.Leu363Pro (NM_001386303.1); c.986T>C, p.Leu329Pro (NM_001386304.1); c.950T>C, p.Leu317Pro (NM_001386305.1); c.791T>C, p.Leu264Pro (NM_001386306.1); short protein forms L264P, L288P, L317P, L336P, L377P, L329P, L363P.
Identifiers: ClinVar variation 2961882 (VCV002961882.4), dbSNP rs2526570260, ClinGen allele CA343773892.
Genomic context (GRCh38, chr1:173,909,698, plus strand): 5'-CGGAAGCGGGGCATGTGGACCACCAGCATCATCTCCTCCAATTCATCCAGCCACTCTTGC[A>G]GCACCTCTGGGGTGAGTTCCTTCTCTACCTTGGCCAGGCTCTTCTCAGGCTTGGGCAAGA-3'
Protein context (NP_000479.1, residues 326-346): KVEKELTPEV[Leu336Pro]QEWLDELEEM